The following is an entry in ClinVar:

NM_173628.4(DNAH17):c.822C>T (p.Asn274=)

Gene: DNAH17 (dynein axonemal heavy chain 17; minus strand). Cytogenetic location: 17q25.3.
Variant type: single nucleotide variant.
Coding change: c.822C>T on transcript NM_173628.4 (MANE Select); coding-DNA position 822, C replaced by T.
Protein change: p.Asn274=; no amino-acid change (asparagine 274 retained).
Molecular consequence: synonymous variant.
Genome position (GRCh38, 1-based): chr17:78,571,289, G>A on the plus strand (C>T on the coding strand, the complement: DNAH17 is on the minus strand). VCF-style: chr17-78571289-G-A. GRCh37 (hg19) VCF-style: chr17-76567371-G-A.
Identifiers: ClinVar variation 3039164 (VCV003039164.3), dbSNP rs60585404, ClinGen allele CA8805480.

ClinVar aggregate classification (germline): Likely benign. Review status: criteria provided, single submitter (1 of 4 stars). 2 submissions from 2 submitters: Likely benign (1). 1 of the submissions does not count toward it. Last evaluated 2024-11-08.

Conditions:
DNAH17-related disorder. Also called: DNAH17-related condition.

Allele frequency attached by ClinVar (database versions not stated): gnomAD exomes 0.00030; ExAC 0.00084; 1000 Genomes Project 0.00200; 1000 Genomes Project 30x 0.00219; gnomAD 0.00250; TOPMed 0.00281; ESP Exome Variant Server 0.00290.
gnomAD v4.1: 838 of 1,613,162 alleles (0.052%); highest among the groups gnomAD compares: African/African-American, 0.82%; 2 homozygotes.

Submissions (2):

Blueprint Genetics
Classification: Likely benign. Last evaluated: 2024-11-08. Review status: criteria provided, single submitter. Criteria: ACMG Guidelines, 2015. Collection method: clinical testing. Allele origin: germline.

PreventionGenetics, part of Exact Sciences
Classification: Benign for DNAH17-related condition. Last evaluated: 2019-05-24. Review status: no assertion criteria provided. Collection method: clinical testing. Allele origin: germline. Not counted in ClinVar's aggregate classification.
Comment: This variant is classified as benign based on ACMG/AMP sequence variant interpretation guidelines (Richards et al. 2015 PMID: 25741868, with internal and published modifications).